The following is an entry in ClinVar:

NM_000185.4(SERPIND1):c.1107C>T (p.Leu369=)

Genes: PI4KA (phosphatidylinositol 4-kinase alpha; minus strand), SERPIND1 (serpin family D member 1; plus strand). Cytogenetic location: 22q11.21.
Variant type: single nucleotide variant.
Coding change: c.1107C>T on transcript NM_000185.4 (MANE Select); coding-DNA position 1107, C replaced by T.
Protein change: p.Leu369=; no amino-acid change (leucine 369 retained).
Molecular consequence: synonymous variant. On other transcripts: intron variant (3).
Genome position (GRCh38, 1-based): chr22:20,784,189, C>T. VCF-style: chr22-20784189-C-T. GRCh37 (hg19) VCF-style: chr22-21138477-C-T.
Other names: c.2262+9004G>A (NM_001362863.2); c.2328+9004G>A (NM_001362862.2, NM_058004.4).
Identifiers: ClinVar variation 2652916 (VCV002652916.25), dbSNP rs528589590, ClinGen allele CA10116030.

ClinVar aggregate classification (germline): Benign/Likely benign. Review status: criteria provided, multiple submitters, no conflicts (2 of 4 stars). 2 submissions from 2 submitters: Benign (1); Likely benign (1). Last evaluated 2024-11-27.

Allele frequency attached by ClinVar (database versions not stated): TOPMed 0.00006; gnomAD 0.00015; 1000 Genomes Project 30x 0.00047; 1000 Genomes Project 0.00060; ExAC 0.00066.
gnomAD v4.1: 437 of 1,614,136 alleles (0.027%); highest among the groups gnomAD compares: South Asian, 0.44%; 9 homozygotes.

Submissions (2):

Blueprint Genetics
Classification: Likely benign. Last evaluated: 2024-11-27. Review status: criteria provided, single submitter. Criteria: ACMG Guidelines, 2015. Collection method: clinical testing. Allele origin: germline.

CeGaT Center for Human Genetics Tuebingen
Classification: Benign. Last evaluated: 2022-04-01. Review status: criteria provided, single submitter. Criteria: CeGaT Center For Human Genetics Tuebingen Variant Classification Criteria Version 2. Collection method: clinical testing. Allele origin: germline. Affected: yes. Observed: 1 variant allele.
Comment: SERPIND1: BS1, BS2